The following is an entry in ClinVar:

ClinVar aggregate classification (germline): Conflicting classifications of pathogenicity. Review status: criteria provided, conflicting classifications (1 of 4 stars). 5 submissions from 5 submitters: Uncertain significance (3); Likely benign (2). Last evaluated 2026-04-27.

Conditions:
Cardiomyopathy (CMYO). Also called: Cardiomyopathies. Identifiers: Orphanet 167848, MedGen C0878544, MONDO:0004994, HP:0001638. Inheritance: Various modes of inheritance.
Cardiovascular phenotype. Identifiers: MedGen CN230736.
Arrhythmogenic right ventricular cardiomyopathy (ARVD). Also called: Arrhythmogenic cardiomyopathy; Cardiomyopathy, ARVC; Arrhythmogenic right ventricular dysplasia; Arrhythmogenic Right Ventricular Cardiomyopathy (ARVC). Identifiers: Orphanet 247, MedGen C0349788, MeSH D019571, MONDO:0016587. Disease mechanism: loss of function. Inheritance: Various modes of inheritance.
Arrhythmogenic right ventricular dysplasia 9 (ARVD9). Also called: Arrhythmogenic Right Ventricular Dysplasia/Cardiomyopathy 9; ARRHYTHMOGENIC RIGHT VENTRICULAR DYSPLASIA, FAMILIAL, 9. Identifiers: MedGen C1836906, MONDO:0012180, OMIM 609040.

Allele frequency attached by ClinVar (database versions not stated): TOPMed 0.00001; ExAC 0.00002; gnomAD exomes 0.00002.
gnomAD v4.1: 13 of 1,613,616 alleles (0.00081%); highest among the groups gnomAD compares: South Asian, 0.0044%; no homozygotes.

Submissions (5):

Women's Health and Genetics/Laboratory Corporation of America, LabCorp
Classification: Uncertain significance. Last evaluated: 2026-04-27. Review status: criteria provided, single submitter. Criteria: LabCorp Variant Classification Summary - May 2015. Collection method: clinical testing. Allele origin: germline.
Comment: Variant summary: PKP2 c.1322G>A (p.Arg441Gln) results in a conservative amino acid change in the encoded protein sequence. Algorithms developed to predict the effect of missense changes on protein structure and function all suggest that this variant is likely to be tolerated. The variant allele was found at a frequency of 2e-05 in 251158 control chromosomes. The available data on variant occurrences in the general population are insufficient to allow any conclusion about variant significance. To our knowledge, no occurrence of c.1322G>A in individuals affected with PKP2-related conditions and no experimental evidence demonstrating its impact on protein function have been reported. ClinVar contains an entry for this variant (Variation ID: 924782). Based on the evidence outlined above, the variant was classified as uncertain significance.

Color Diagnostics, LLC DBA Color Health
Classification: Likely benign for Cardiomyopathy. Last evaluated: 2025-09-10. Review status: criteria provided, single submitter. Criteria: ACMG Guidelines, 2015. Collection method: clinical testing. Allele origin: germline.

Ambry Genetics
Classification: Likely benign for Cardiovascular phenotype. Last evaluated: 2024-10-23. Review status: criteria provided, single submitter. Criteria: Ambry Variant Classification Scheme 2023. Collection method: clinical testing. Allele origin: germline.

All of Us Research Program, National Institutes of Health
Classification: Uncertain significance for Arrhythmogenic right ventricular cardiomyopathy. Last evaluated: 2024-02-05. Review status: criteria provided, single submitter. Criteria: ACMG Guidelines, 2015. Collection method: clinical testing. Allele origin: germline. Inheritance: Autosomal dominant inheritance. Observed: 3 variant alleles, 3 heterozygotes.
Comment: Variant of Uncertain Significance due to insufficient evidence: This missense variant replaces arginine with glutamine at codon 441 of the PKP2 protein. Computational prediction tools and conservation analyses suggest that this variant may not impact the protein function. Computational splicing tools suggest that this variant may not impact RNA splicing. To our knowledge, functional assays have not been performed for this variant nor has this variant been reported in individuals affected with cardiovascular disorders in the literature. This variant has been identified in 4/245936 chromosomes in the general population by the Genome Aggregation Database (gnomAD). Available evidence is insufficient to determine the role of this variant in disease conclusively.

This study involves interpretation of variants in research participants for the purpose of population health screening. Participant phenotype was not available at the time of variant classification. Additional details can be found in publication PMID: 35346344, PMCID: PMC8962531

Labcorp Genetics (formerly Invitae), Labcorp
Classification: Uncertain significance for Arrhythmogenic right ventricular dysplasia 9. Last evaluated: 2022-11-01. Review status: criteria provided, single submitter. Criteria: Invitae Variant Classification Sherloc (09022015). Collection method: clinical testing. Allele origin: germline.
Comment: This sequence change replaces arginine, which is basic and polar, with glutamine, which is neutral and polar, at codon 441 of the PKP2 protein (p.Arg441Gln). This variant is present in population databases (rs753912985, gnomAD 0.01%). This variant has not been reported in the literature in individuals affected with PKP2-related conditions. ClinVar contains an entry for this variant (Variation ID: 924782). Algorithms developed to predict the effect of missense changes on protein structure and function output the following: SIFT: "Tolerated"; PolyPhen-2: "Benign"; Align-GVGD: "Class C0". The glutamine amino acid residue is found in multiple mammalian species, which suggests that this missense change does not adversely affect protein function. In summary, the available evidence is currently insufficient to determine the role of this variant in disease. Therefore, it has been classified as a Variant of Uncertain Significance.

NM_001005242.3(PKP2):c.1322G>A (p.Arg441Gln)

Gene: PKP2 (plakophilin 2; minus strand). Cytogenetic location: 12p11.21.
Variant type: single nucleotide variant.
Coding change: c.1322G>A on transcript NM_001005242.3 (MANE Select); coding-DNA position 1322, G replaced by A.
Protein change: p.Arg441Gln; replaces arginine 441 with glutamine.
Molecular consequence: missense variant.
Genome position (GRCh38, 1-based): chr12:32,850,822, C>T on the plus strand (G>A on the coding strand, the complement: PKP2 is on the minus strand). VCF-style: chr12-32850822-C-T. GRCh37 (hg19) VCF-style: chr12-33003756-C-T.
Other names: c.1322G>A, p.Arg441Gln (NM_004572.4); short protein forms R441Q.
Identifiers: ClinVar variation 924782 (VCV000924782.12), dbSNP rs753912985, ClinGen allele CA027651.